The following is an entry in ClinVar:

ClinVar aggregate classification (germline): Likely benign (1 of 4 stars; one submission).

Submission:

CeGaT Center for Human Genetics Tuebingen
Classification: Likely benign. Last evaluated: 2026-03-01. Review status: criteria provided, single submitter. Criteria: CeGaT Center For Human Genetics Tuebingen Variant Classification Criteria Version 2. Collection method: clinical testing. Allele origin: germline. Affected: yes. Observed: 1 variant allele.
Comment: WASHC5: PM2:Supporting, BP4, BP7

NM_014846.4(WASHC5):c.1470T>C (p.Asp490=)

Gene: WASHC5 (WASH complex subunit 5; minus strand). Cytogenetic location: 8q24.13.
Variant type: single nucleotide variant.
Coding change: c.1470T>C on transcript NM_014846.4 (MANE Select); coding-DNA position 1470, T replaced by C.
Protein change: p.Asp490=; no amino-acid change (aspartic acid 490 retained).
Molecular consequence: synonymous variant.
Genome position (GRCh38, 1-based): chr8:125,061,133, A>G on the plus strand (T>C on the coding strand, the complement: WASHC5 is on the minus strand). VCF-style: chr8-125061133-A-G. GRCh37 (hg19) VCF-style: chr8-126073375-A-G.
Other names: c.1026T>C, p.Asp342= (NM_001330609.2).
Identifiers: ClinVar variation 4822691 (VCV004822691.4).